The following is an entry in ClinVar:

ClinVar aggregate classification (germline): Uncertain significance (1 of 4 stars; one submission).

Conditions:
KBG syndrome (KBGS). Also called: ANKRD11-Related KBG Syndrome. Identifiers: Orphanet 2332, MedGen C0220687, MONDO:0007846, OMIM 148050.

Allele frequency attached by ClinVar (database versions not stated): gnomAD exomes 0.00001.
gnomAD v4.1: 3 of 1,612,526 alleles (0.00019%); highest among the groups gnomAD compares: Non-Finnish European, 0.00017%; no homozygotes.

Submission:

Victorian Clinical Genetics Services, Murdoch Childrens Research Institute
Classification: Uncertain significance for KBG syndrome. Last evaluated: 2023-07-17. Review status: criteria provided, single submitter. Criteria: ACMG Guidelines, 2015. Collection method: clinical testing. Allele origin: germline. Inheritance: Autosomal dominant inheritance. Affected: yes.
Comment: Based on the classification scheme VCGS_Germline_v1.3.4, this variant is classified as VUS-3B. Following criteria are met: 0102 - Loss of function is a known mechanism of disease in this gene and is associated with KBG syndrome (MIM#148050). (I) 0107 - This gene is associated with autosomal dominant disease. (I) 0115 - Variants in this gene are known to have variable expressivity. Intrafamilial variability has been reported (PMID: 29258554). (I) 0200 - Variant is predicted to result in a missense amino acid change from threonine to methionine. (I) 0251 - This variant is heterozygous. (I) 0302 - Variant is present in gnomAD (v2) <0.001 for a dominant condition (2 heterozygotes, 0 homozygotes). (SP) 0502 - Missense variant with conflicting in silico predictions and uninformative conservation. (I) 0604 - Variant is not located in an established domain, motif, hotspot or informative constraint region. (I) 0705 - No comparable missense variants have previous evidence for pathogenicity. (I) 0807 - This variant has no previous evidence of pathogenicity. (I) 0905 - No published segregation evidence has been identified for this variant. (I) 1007 - No published functional evidence has been identified for this variant. (I) Legend: (SP) - Supporting pathogenic, (I) - Information, (SB) - Supporting benign

Literature cited by the submitters: PubMed 29258554.

NM_013275.6(ANKRD11):c.371C>T (p.Thr124Met)

Gene: ANKRD11 (ankyrin repeat domain 11; minus strand). Cytogenetic location: 16q24.3.
Variant type: single nucleotide variant.
Coding change: c.371C>T on transcript NM_013275.6 (MANE Select); coding-DNA position 371, C replaced by T.
Protein change: p.Thr124Met; replaces threonine 124 with methionine.
Molecular consequence: missense variant. On other transcripts: non-coding transcript variant (1).
Genome position (GRCh38, 1-based): chr16:89,291,039, G>A on the plus strand (C>T on the coding strand, the complement: ANKRD11 is on the minus strand). VCF-style: chr16-89291039-G-A. GRCh37 (hg19) VCF-style: chr16-89357447-G-A.
Other names: c.371C>T, p.Thr124Met (NM_001256182.2, NM_001256183.2); short protein forms T124M.
Identifiers: ClinVar variation 3254695 (VCV003254695.1), dbSNP rs1312503091.
Genomic context (GRCh38, chr16:89,291,039, plus strand): 5'-CCTGCGCCAGGGACCACCCACAGGCCGGGCTCACCTGGGCTGTTGGCAGACTCCTCGGCC[G>A]TCATCTGCATGAGAAGGGCCACCTGCTGGCGCTCGGAGAGGGGGTAGCCGGCTCGGATTC-3'
Protein context (NP_037407.4, residues 114-134): RQQVALLMQM[Thr124Met]AEESANSPVD